The following is an entry in ClinVar:

NM_001365999.1(SZT2):c.158A>C (p.Gln53Pro)

Gene: SZT2 (SZT2 subunit of KICSTOR complex; plus strand). Cytogenetic location: 1p34.2.
Variant type: single nucleotide variant.
Coding change: c.158A>C on transcript NM_001365999.1 (MANE Select); coding-DNA position 158, A replaced by C.
Protein change: p.Gln53Pro; replaces glutamine 53 with proline.
Molecular consequence: missense variant.
Genome position (GRCh38, 1-based): chr1:43,403,605, A>C. VCF-style: chr1-43403605-A-C. GRCh37 (hg19) VCF-style: chr1-43869276-A-C.
Other names: c.158A>C, p.Gln53Pro (NM_015284.4); short protein forms Q53P.
Identifiers: ClinVar variation 933576 (VCV000933576.9), dbSNP rs780217168, ClinGen allele CA339995468.

ClinVar aggregate classification (germline): Uncertain significance (1 of 4 stars; one submission).

gnomAD v4.1: 1 of 1,610,652 alleles (0.000062%); highest among the groups gnomAD compares: African/African-American, 0.0013%; no homozygotes.

Submission:

Labcorp Genetics (formerly Invitae), Labcorp
Classification: Uncertain significance. Last evaluated: 2022-03-19. Review status: criteria provided, single submitter. Criteria: Invitae Variant Classification Sherloc (09022015). Collection method: clinical testing. Allele origin: germline.
Comment: Algorithms developed to predict the effect of sequence changes on RNA splicing suggest that this variant may disrupt the consensus splice site. Algorithms developed to predict the effect of missense changes on protein structure and function are either unavailable or do not agree on the potential impact of this missense change (SIFT: "Deleterious"; PolyPhen-2: "Probably Damaging"; Align-GVGD: "Class C0"). ClinVar contains an entry for this variant (Variation ID: 933576). This variant has not been reported in the literature in individuals affected with SZT2-related conditions. This variant is not present in population databases (gnomAD no frequency). This sequence change replaces glutamine, which is neutral and polar, with proline, which is neutral and non-polar, at codon 53 of the SZT2 protein (p.Gln53Pro). In summary, the available evidence is currently insufficient to determine the role of this variant in disease. Therefore, it has been classified as a Variant of Uncertain Significance.